The following is an entry in ClinVar:

NM_016042.4(EXOSC3):c.247T>G (p.Cys83Gly)

Genes: EXOSC3 (exosome component 3; minus strand), LOC130001814 (ATAC-STARR-seq lymphoblastoid active region 28402; plus strand). Cytogenetic location: 9p13.2.
Variant type: single nucleotide variant.
Coding change: c.247T>G on transcript NM_016042.4 (MANE Select); coding-DNA position 247, T replaced by G.
Protein change: p.Cys83Gly; replaces cysteine 83 with glycine.
Molecular consequence: missense variant.
Genome position (GRCh38, 1-based): chr9:37,784,798, A>C on the plus strand (T>G on the coding strand, the complement: EXOSC3 is on the minus strand). VCF-style: chr9-37784798-A-C. GRCh37 (hg19) VCF-style: chr9-37784795-A-C.
Other names: c.247T>G, p.Cys83Gly (NM_001002269.2); c.247T>G (NM_016042.2); short protein forms C83G.
Identifiers: ClinVar variation 1212158 (VCV001212158.6), dbSNP rs772252048, ClinGen allele CA5062820.

ClinVar aggregate classification (germline): Uncertain significance. Review status: criteria provided, multiple submitters, no conflicts (2 of 4 stars). 2 submissions from 2 submitters: Uncertain significance (2). Last evaluated 2021-06-22.

Conditions:
Inborn genetic diseases. Identifiers: MedGen C0950123, MeSH D030342.

Allele frequency attached by ClinVar (database versions not stated): gnomAD 0.00002 and 0.00003; TOPMed 0.00002; gnomAD exomes 0.00003 and 0.00004; ExAC 0.00005.
gnomAD v4.1: 49 of 1,608,498 alleles (0.003%); highest among the groups gnomAD compares: Middle Eastern, 0.066%; no homozygotes.

Submissions (2):

Ambry Genetics
Classification: Uncertain significance for Inborn genetic diseases. Last evaluated: 2021-06-22. Review status: criteria provided, single submitter. Criteria: Ambry Variant Classification Scheme 2023. Collection method: clinical testing. Allele origin: germline.

GeneDx
Classification: Uncertain significance. Last evaluated: 2020-04-30. Review status: criteria provided, single submitter. Criteria: GeneDx Variant Classification Process June 2021. Collection method: clinical testing. Allele origin: germline. Affected: yes.
Comment: Not observed at a significant frequency in large population cohorts (Lek et al., 2016); In silico analysis supports that this missense variant has a deleterious effect on protein structure/function; Has not been previously published as pathogenic or benign to our knowledge